The following is an entry in ClinVar:

NM_031935.3(HMCN1):c.12041C>T (p.Thr4014Ile)

Gene: HMCN1 (hemicentin 1; plus strand). Cytogenetic location: 1q31.1.
Variant type: single nucleotide variant.
Coding change: c.12041C>T on transcript NM_031935.3 (MANE Select); coding-DNA position 12041, C replaced by T.
Protein change: p.Thr4014Ile; replaces threonine 4014 with isoleucine.
Molecular consequence: missense variant.
Genome position (GRCh38, 1-based): chr1:186,119,829, C>T. VCF-style: chr1-186119829-C-T. GRCh37 (hg19) VCF-style: chr1-186088961-C-T.
Other names: c.12041C>T (NM_031935.2); short protein forms T4014I.
Identifiers: ClinVar variation 2048161 (VCV002048161.5), dbSNP rs749306862, ClinGen allele CA1294238.
Genomic context (GRCh38, chr1:186,119,829, plus strand): 5'-CAAGTGAACTACACGTCATTCTGAACAATCCTATTTTATTACCATGTGAAGCAACAGGGA[C>T]ACCCAGTCCTTTCATTACTTGGCAAAAAGAAGGCATCAATGTTAACACTTCAGGTACCTA-3'
Protein context (NP_114141.2, residues 4004-4024): PILLPCEATG[Thr4014Ile]PSPFITWQKE

ClinVar aggregate classification (germline): Uncertain significance. Review status: criteria provided, multiple submitters, no conflicts (2 of 4 stars). 2 submissions from 2 submitters: Uncertain significance (2). Last evaluated 2025-12-09.

Allele frequency attached by ClinVar (database versions not stated): gnomAD 0.00001; gnomAD exomes 0.00001; ExAC 0.00002; TOPMed 0.00002.
gnomAD v4.1: 12 of 1,613,984 alleles (0.00074%); highest among the groups gnomAD compares: Non-Finnish European, 0.001%; no homozygotes.

Submissions (2):

Ambry Genetics
Classification: Uncertain significance. Last evaluated: 2025-12-09. Review status: criteria provided, single submitter. Criteria: Ambry Variant Classification Scheme 2023. Collection method: clinical testing. Allele origin: germline.

Labcorp Genetics (formerly Invitae), Labcorp
Classification: Uncertain significance. Last evaluated: 2022-06-04. Review status: criteria provided, single submitter. Criteria: Invitae Variant Classification Sherloc (09022015). Collection method: clinical testing. Allele origin: germline.
Comment: In summary, the available evidence is currently insufficient to determine the role of this variant in disease. Therefore, it has been classified as a Variant of Uncertain Significance. Algorithms developed to predict the effect of missense changes on protein structure and function output the following: SIFT: "Tolerated"; PolyPhen-2: "Probably Damaging"; Align-GVGD: "Class C0". The isoleucine amino acid residue is found in multiple mammalian species, which suggests that this missense change does not adversely affect protein function. This variant has not been reported in the literature in individuals affected with HMCN1-related conditions. This variant is present in population databases (rs749306862, gnomAD 0.004%). This sequence change replaces threonine, which is neutral and polar, with isoleucine, which is neutral and non-polar, at codon 4014 of the HMCN1 protein (p.Thr4014Ile).